The following is an entry in ClinVar:

ClinVar aggregate classification (germline): Uncertain significance (1 of 4 stars; one submission).

Conditions:
Ehlers-Danlos syndrome, classic type, 1 (EDSCL1). Also called: Ehlers-Danlos syndrome, type 1; Ehlers-Danlos Syndrome, Classic Type, COL5A1-Related; EDS I; EHLERS-DANLOS SYNDROME, GRAVIS TYPE; EHLERS-DANLOS SYNDROME, SEVERE CLASSIC TYPE. Identifiers: MedGen C0268335, MONDO:0019567, OMIM 130000.

Allele frequency attached by ClinVar (database versions not stated): gnomAD exomes below 0.00001; TOPMed below 0.00001.
gnomAD v4.1: 5 of 1,614,000 alleles (0.00031%); highest among the groups gnomAD compares: Non-Finnish European, 0.00042%; no homozygotes.

Submission:

Labcorp Genetics (formerly Invitae), Labcorp
Classification: Uncertain significance for Ehlers-Danlos syndrome, classic type, 1. Last evaluated: 2025-11-22. Review status: criteria provided, single submitter. Criteria: Invitae Variant Classification Sherloc (09022015). Collection method: clinical testing. Allele origin: germline.
Comment: This sequence change replaces proline, which is neutral and non-polar, with leucine, which is neutral and non-polar, at codon 197 of the COL5A1 protein (p.Pro197Leu). This variant is not present in population databases (gnomAD no frequency). This variant has not been reported in the literature in individuals affected with COL5A1-related conditions. ClinVar contains an entry for this variant (Variation ID: 847157). Invitae Evidence Modeling of protein sequence and biophysical properties (such as structural, functional, and spatial information, amino acid conservation, physicochemical variation, residue mobility, and thermodynamic stability) indicates that this missense variant is not expected to disrupt COL5A1 protein function with a negative predictive value of 95%. In summary, the available evidence is currently insufficient to determine the role of this variant in disease. Therefore, it has been classified as a Variant of Uncertain Significance.

NM_000093.5(COL5A1):c.590C>T (p.Pro197Leu)

Gene: COL5A1 (collagen type V alpha 1 chain; plus strand). Cytogenetic location: 9q34.3.
Variant type: single nucleotide variant.
Coding change: c.590C>T on transcript NM_000093.5 (MANE Select); coding-DNA position 590, C replaced by T.
Protein change: p.Pro197Leu; replaces proline 197 with leucine.
Molecular consequence: missense variant.
Genome position (GRCh38, 1-based): chr9:134,701,269, C>T. VCF-style: chr9-134701269-C-T. GRCh37 (hg19) VCF-style: chr9-137593115-C-T.
Other names: c.590C>T, p.Pro197Leu (NM_001278074.1); short protein forms P197L.
Identifiers: ClinVar variation 847157 (VCV000847157.11), dbSNP rs1365787866, ClinGen allele CA375443414.